The following is an entry in ClinVar:

ClinVar aggregate classification (germline): Conflicting classifications of pathogenicity. Review status: criteria provided, conflicting classifications (1 of 4 stars). 5 submissions from 5 submitters: Pathogenic (1); Likely pathogenic (1); Uncertain significance (3). Last evaluated 2025-09-28.

Conditions:
CHEK2-related disorder.
Hereditary cancer-predisposing syndrome. Also called: Neoplastic Syndromes, Hereditary; Tumor predisposition; Hereditary Cancer Syndrome; Hereditary neoplastic syndrome. Identifiers: Orphanet 140162, MedGen C0027672, MeSH D009386, MONDO:0015356.
Familial cancer of breast. Also called: BREAST CANCER, FAMILIAL; Hereditary breast cancer; hereditary breast carcinoma. Identifiers: Orphanet 227535, MedGen C0346153, MONDO:0016419, OMIM 114480. Disease mechanism: loss of function.

Submissions (5):

Labcorp Genetics (formerly Invitae), Labcorp
Classification: Uncertain significance for Familial cancer of breast. Last evaluated: 2025-09-28. Review status: criteria provided, single submitter. Criteria: Invitae Variant Classification Sherloc (09022015). Collection method: clinical testing. Allele origin: germline.
Comment: This sequence change replaces valine, which is neutral and non-polar, with leucine, which is neutral and non-polar, at codon 198 of the CHEK2 protein (p.Val198Leu). This variant also falls at the last nucleotide of exon 4, which is part of the consensus splice site for this exon. This variant is not present in population databases (gnomAD no frequency). This variant has not been reported in the literature in individuals affected with CHEK2-related conditions. ClinVar contains an entry for this variant (Variation ID: 481730). An algorithm developed to predict the effect of missense changes on protein structure and function (PolyPhen-2) suggests that this variant is likely to be tolerated. Variants that disrupt the consensus splice site are a relatively common cause of aberrant splicing (PMID: 17576681, 9536098). Studies have shown that this missense change is associated with inconclusive levels of altered splicing (internal data). In summary, the available evidence is currently insufficient to determine the role of this variant in disease. Therefore, it has been classified as a Variant of Uncertain Significance.

Myriad Genetics, Inc.
Classification: Likely pathogenic for Familial cancer of breast. Last evaluated: 2025-02-06. Review status: criteria provided, single submitter. Criteria: Myriad Autosomal Dominant, Autosomal Recessive and X-Linked Classification Criteria (2023). Collection method: clinical testing. Allele origin: unknown.
Comment: This variant is considered likely pathogenic. mRNA analysis has demonstrated abnormal mRNA splicing occurs [Myriad internal data].

Ambry Genetics
Classification: Pathogenic for Hereditary cancer-predisposing syndrome. Last evaluated: 2024-12-16. Review status: criteria provided, single submitter. Criteria: Ambry Variant Classification Scheme 2023. Collection method: clinical testing. Allele origin: germline.
Comment: The c.592G>C variant (also known as p.V198L), located in coding exon 3 of the CHEK2 gene, results from a G to C substitution at nucleotide position 592. The amino acid change results in valine to leucine at codon 198, an amino acid with highly similar properties. However, this change occurs in the last base pair of coding exon 3, which makes it likely to have some effect on normal mRNA splicing. In silico splice site analysis predicts that this alteration will weaken the native splice donor site and RNA studies have demonstrated that this alteration results in abnormal splicing in the set of samples tested (Ambry internal data). Another alteration impacting the same donor site (c.592+1G>A) has been shown to have a similar impact on splicing (Ambry internal data). This variant is considered to be rare based on population cohorts in the Genome Aggregation Database (gnomAD). This nucleotide position is highly conserved in available vertebrate species. Based on the supporting evidence, this alteration is interpreted as a disease-causing mutation.

PreventionGenetics, part of Exact Sciences
Classification: Uncertain significance for CHEK2-related condition. Last evaluated: 2023-10-04. Review status: criteria provided, single submitter. Criteria: ACMG Guidelines, 2015. Collection method: clinical testing. Allele origin: germline.
Comment: The CHEK2 c.592G>C variant is predicted to result in the amino acid substitution p.Val198Leu. This variant is located at the last nucleotide of the exon and is predicted to abolish the canonical splice donor site (SpliceAI, Jaganathan et al. 2019. PubMed ID: 30661751). To our knowledge, this variant has not been reported in the literature or in a large population database, indicating this variant is rare. In ClinVar, this variant has conflicting interpretations of uncertain and pathogenic. At this time, the clinical significance of this variant is uncertain due to the absence of conclusive functional and genetic evidence.

Sema4
Classification: Uncertain significance for Hereditary cancer-predisposing syndrome. Last evaluated: 2021-12-29. Review status: criteria provided, single submitter. Criteria: Sema4 Curation Guidelines. Collection method: curation. Allele origin: germline.
Comment: The CHEK2 c.592G>C (p.V198L) variant has not been reported in the literature to our knowledge. It was not observed in the large and broad cohorts of the Genome Aggregation Database (PMID: 32461654). This variant has been reported in ClinVar (Variation ID 481730). Functional studies have not been performed, and in silico predictions of the variant's effect on protein function are inconclusive. This variant is located in the last base pair of the exon. Algorithms developed to predict the effect of sequence changes on RNA splicing suggest that this variant may disrupt the consensus splice site, though these predictions have not been confirmed by transcriptional studies. The evidence is insufficient to meet ACMG/AMP criteria for classifying the variant as benign or pathogenic. Thus, the clinical significance of this variant is currently uncertain.

Literature cited by the submitters: PubMed 17576681 (cited by Labcorp Genetics (formerly Invitae), Labcorp); PubMed 9536098 (cited by Labcorp Genetics (formerly Invitae), Labcorp).

NM_007194.4(CHEK2):c.592G>C (p.Val198Leu)

Gene: CHEK2 (checkpoint kinase 2; minus strand). Cytogenetic location: 22q12.1.
Variant type: single nucleotide variant.
Coding change: c.592G>C on transcript NM_007194.4 (MANE Select); coding-DNA position 592, G replaced by C.
Protein change: p.Val198Leu; replaces valine 198 with leucine.
Molecular consequence: missense variant. On other transcripts: 5 prime UTR variant (2), intron variant (1).
Genome position (GRCh38, 1-based): chr22:28,724,977, C>G on the plus strand (G>C on the coding strand, the complement: CHEK2 is on the minus strand). VCF-style: chr22-28724977-C-G. GRCh37 (hg19) VCF-style: chr22-29120965-C-G.
Other names: c.721G>C, p.Val241Leu (NM_001005735.3, NM_001438294.1); c.-186G>C (NM_001257387.3); c.-72G>C (NM_001437942.1); c.685G>C, p.Val229Leu (NM_001438293.1, NM_001438295.1); c.592G>C, p.Val198Leu (NM_145862.3); c.445-54G>C (NM_001349956.3); short protein forms V198L, V241L, V229L.
Identifiers: ClinVar variation 481730 (VCV000481730.19), dbSNP rs1555926708, ClinGen allele CA411106892.